The following is an entry in ClinVar:

ClinVar aggregate classification (germline): Pathogenic (1 of 4 stars; one submission).

Conditions:
Epidermolysis bullosa simplex 5B, with muscular dystrophy (EBS5B). Also called: EPIDERMOLYSIS BULLOSA SIMPLEX AND LIMB-GIRDLE MUSCULAR DYSTROPHY; Epidermolysis bullosa simplex with muscular dystrophy. Identifiers: Orphanet 257, MedGen C2931072, MONDO:0009181, OMIM 226670.

Submission:

3billion
Classification: Pathogenic for Epidermolysis bullosa simplex 5B, with muscular dystrophy. Review status: criteria provided, single submitter. Criteria: ACMG Guidelines, 2015. Collection method: clinical testing. Allele origin: unknown. Affected: yes. Observed: 1 homozygote.
Comment: The variant is not observed in the gnomAD v2.1.1 dataset. The variant is predicted to result in a loss or disruption of normal protein function through nonsense-mediated decay (NMD) or protein truncation. Multiple pathogenic variants are reported downstream of the variant. Therefore, this variant is classified as Pathogenic according to the recommendation of ACMG/AMP guideline.

NM_201384.3(PLEC):c.4903C>T (p.Gln1635Ter)

Gene: PLEC (plectin; minus strand). Cytogenetic location: 8q24.3.
Variant type: single nucleotide variant.
Coding change: c.4903C>T on transcript NM_201384.3 (MANE Select); coding-DNA position 4903, C replaced by T.
Protein change: p.Gln1635Ter; replaces glutamine 1635 with a stop codon.
Molecular consequence: nonsense. On other transcripts: intron variant (1).
Genome position (GRCh38, 1-based): chr8:143,925,026, G>A on the plus strand (C>T on the coding strand, the complement: PLEC is on the minus strand). VCF-style: chr8-143925026-G-A. GRCh37 (hg19) VCF-style: chr8-144999194-G-A.
Other names: c.4984C>T, p.Gln1662Ter (NM_000445.5); c.4861C>T, p.Gln1621Ter (NM_201378.4); c.4837C>T, p.Gln1613Ter (NM_201379.3); c.5314C>T, p.Gln1772Ter (NM_201380.4); c.4807C>T, p.Gln1603Ter (NM_201381.3); c.4903C>T, p.Gln1635Ter (NM_201382.4); c.4915C>T, p.Gln1639Ter (NM_201383.3); c.4125+1758C>T (NM_001410941.1); short protein forms Q1603*, Q1613*, Q1621*, Q1635*, Q1639*, Q1662*, Q1772*.
Identifiers: ClinVar variation 2572533 (VCV002572533.1), dbSNP rs2538000129, ClinGen allele CA372551797.